The following is an entry in ClinVar:

NM_173477.5(USH1G):c.1067G>A (p.Ser356Asn)

Gene: USH1G (USH1 protein network component sans; minus strand). Cytogenetic location: 17q25.1.
Variant type: single nucleotide variant.
Coding change: c.1067G>A on transcript NM_173477.5 (MANE Select); coding-DNA position 1067, G replaced by A.
Protein change: p.Ser356Asn; replaces serine 356 with asparagine.
Molecular consequence: missense variant.
Genome position (GRCh38, 1-based): chr17:74,919,769, C>T on the plus strand (G>A on the coding strand, the complement: USH1G is on the minus strand). VCF-style: chr17-74919769-C-T. GRCh37 (hg19) VCF-style: chr17-72915864-C-T.
Other names: c.758G>A, p.Ser253Asn (NM_001282489.3); short protein forms S356N, S253N.
Identifiers: ClinVar variation 2093998 (VCV002093998.4), dbSNP rs2544428517, ClinGen allele CA400961870.
Genomic context (GRCh38, chr17:74,919,769, plus strand): 5'-TCATCCCAGGGCAGCTCCTCCCCACAGCTGCGGTCCTGCAGGCTGTTGGCACTGCCCAGG[C>T]TGTCATCGTCCAGGCTGGGGGAGCTCTGCAGCCGACCCCGCGGCGCTCCCACCCCATCCA-3'
Protein context (NP_775748.2, residues 346-366): LQSSPSLDDD[Ser356Asn]LGSANSLQDR

ClinVar aggregate classification (germline): Uncertain significance (1 of 4 stars; one submission).

Allele frequency attached by ClinVar (database versions not stated): gnomAD exomes below 0.00001.
gnomAD v4.1: 1 of 1,612,958 alleles (0.000062%); highest among the groups gnomAD compares: Non-Finnish European, 0.000085%; no homozygotes.

Submission:

Labcorp Genetics (formerly Invitae), Labcorp
Classification: Uncertain significance. Last evaluated: 2022-07-14. Review status: criteria provided, single submitter. Criteria: Invitae Variant Classification Sherloc (09022015). Collection method: clinical testing. Allele origin: germline.
Comment: In summary, the available evidence is currently insufficient to determine the role of this variant in disease. Therefore, it has been classified as a Variant of Uncertain Significance. Algorithms developed to predict the effect of missense changes on protein structure and function are either unavailable or do not agree on the potential impact of this missense change (SIFT: "Not Available"; PolyPhen-2: "Probably Damaging"; Align-GVGD: "Not Available"). This variant has not been reported in the literature in individuals affected with USH1G-related conditions. This variant is not present in population databases (gnomAD no frequency). This sequence change replaces serine, which is neutral and polar, with asparagine, which is neutral and polar, at codon 356 of the USH1G protein (p.Ser356Asn).